The following is an entry in ClinVar:

ClinVar aggregate classification (germline): Uncertain significance (1 of 4 stars; one submission).

gnomAD v4.1: 7 of 1,613,878 alleles (0.00043%); highest among the groups gnomAD compares: Non-Finnish European, 0.00059%; no homozygotes.

Submission:

Labcorp Genetics (formerly Invitae), Labcorp
Classification: Uncertain significance. Last evaluated: 2019-08-30. Review status: criteria provided, single submitter. Criteria: Invitae Variant Classification Sherloc (09022015). Collection method: clinical testing. Allele origin: germline.
Comment: In summary, the available evidence is currently insufficient to determine the role of this variant in disease. Therefore, it has been classified as a Variant of Uncertain Significance. Algorithms developed to predict the effect of missense changes on protein structure and function are either unavailable or do not agree on the potential impact of this missense change (SIFT: "Tolerated"; PolyPhen-2: "Probably Damaging"; Align-GVGD: "Class C0"). This variant has not been reported in the literature in individuals with TUBGCP6-related conditions. This variant is not present in population databases (ExAC no frequency). This sequence change replaces valine with leucine at codon 621 of the TUBGCP6 protein (p.Val621Leu). The valine residue is moderately conserved and there is a small physicochemical difference between valine and leucine.

NM_020461.4(TUBGCP6):c.1861G>C (p.Val621Leu)

Gene: TUBGCP6 (tubulin gamma complex component 6; minus strand). Cytogenetic location: 22q13.33.
Variant type: single nucleotide variant.
Coding change: c.1861G>C on transcript NM_020461.4 (MANE Select); coding-DNA position 1861, G replaced by C.
Protein change: p.Val621Leu; replaces valine 621 with leucine.
Molecular consequence: missense variant.
Genome position (GRCh38, 1-based): chr22:50,225,916, C>G on the plus strand (G>C on the coding strand, the complement: TUBGCP6 is on the minus strand). VCF-style: chr22-50225916-C-G. GRCh37 (hg19) VCF-style: chr22-50664345-C-G.
Other names: short protein forms V621L.
Identifiers: ClinVar variation 957176 (VCV000957176.9), dbSNP rs2064600402, ClinGen allele CA412105066.